The following is an entry in ClinVar:

NM_153332.4(ERI1):c.47T>C (p.Leu16Pro)

Gene: ERI1 (exoribonuclease 1). Cytogenetic location: 8p23.1.
Variant type: single nucleotide variant.
Coding change: c.47T>C on transcript NM_153332.4 (MANE Select); coding-DNA position 47, T replaced by C.
Protein change: p.Leu16Pro; replaces leucine 16 with proline.
Molecular consequence: missense variant. On other transcripts: 5 prime UTR variant (1).
Genome position (GRCh38, 1-based): chr8:9,003,110, T>C. VCF-style: chr8-9003110-T-C. GRCh37 (hg19) VCF-style: chr8-8860620-T-C.
Other names: c.-637T>C (NM_001354636.2); c.47T>C, p.Leu16Pro (NM_001354638.2); short protein forms L16P.
Identifiers: ClinVar variation 3060400 (VCV003060400.2), dbSNP rs2288672, ClinGen allele CA4619643.

ClinVar aggregate classification (germline): Benign (0 of 4 stars; one submission).

Conditions:
ERI1-related disorder. Also called: ERI1-related condition.

Allele frequency attached by ClinVar (database versions not stated): 1000 Genomes Project 0.84365; 1000 Genomes Project 30x 0.84541; ExAC 0.86286; TOPMed 0.86657; gnomAD 0.87289; ESP Exome Variant Server 0.89765; gnomAD exomes 0.90009.
gnomAD v4.1: 1,116,946 of 1,246,258 alleles (90%); highest among the groups gnomAD compares: Non-Finnish European, 91%; 501,155 homozygotes.

Submission:

PreventionGenetics, part of Exact Sciences
Classification: Benign for ERI1-related condition. Last evaluated: 2019-10-16. Review status: no assertion criteria provided. Collection method: clinical testing. Allele origin: germline.
Comment: This variant is classified as benign based on ACMG/AMP sequence variant interpretation guidelines (Richards et al. 2015 PMID: 25741868, with internal and published modifications).